The following is an entry in ClinVar:

NM_001035.3(RYR2):c.12785A>G (p.Lys4262Arg)

Genes: RYR2 (ryanodine receptor 2; plus strand), LOC126806068 (BRD4-independent group 4 enhancer GRCh37_chr1:237947411-237948610; plus strand). Cytogenetic location: 1q43.
Variant type: single nucleotide variant.
Coding change: c.12785A>G on transcript NM_001035.3 (MANE Select); coding-DNA position 12785, A replaced by G.
Protein change: p.Lys4262Arg; replaces lysine 4262 with arginine.
Molecular consequence: missense variant.
Genome position (GRCh38, 1-based): chr1:237,784,497, A>G. VCF-style: chr1-237784497-A-G. GRCh37 (hg19) VCF-style: chr1-237947797-A-G.
Other names: short protein forms K4262R.
Identifiers: ClinVar variation 1996213 (VCV001996213.4), dbSNP rs2527792103, ClinGen allele CA345414174.

ClinVar aggregate classification (germline): Uncertain significance (1 of 4 stars; one submission).

Conditions:
Catecholaminergic polymorphic ventricular tachycardia 1. Also called: RYR2-Related Catecholaminergic Polymorphic Ventricular Tachycardia; VENTRICULAR TACHYCARDIA, CATECHOLAMINERGIC POLYMORPHIC, 1, WITH OR WITHOUT ATRIAL DYSFUNCTION AND/OR DILATED CARDIOMYOPATHY; VENTRICULAR TACHYCARDIA, STRESS-INDUCED POLYMORPHIC 1. Identifiers: Orphanet 3286, MedGen C1631597, MONDO:0011484, OMIM 604772.

Submission:

Labcorp Genetics (formerly Invitae), Labcorp
Classification: Uncertain significance for Catecholaminergic polymorphic ventricular tachycardia 1. Last evaluated: 2022-05-18. Review status: criteria provided, single submitter. Criteria: Invitae Variant Classification Sherloc (09022015). Collection method: clinical testing. Allele origin: germline.
Comment: In summary, the available evidence is currently insufficient to determine the role of this variant in disease. Therefore, it has been classified as a Variant of Uncertain Significance. Algorithms developed to predict the effect of missense changes on protein structure and function are either unavailable or do not agree on the potential impact of this missense change (SIFT: "Deleterious"; PolyPhen-2: "Benign"; Align-GVGD: "Class C25"). This variant has not been reported in the literature in individuals affected with RYR2-related conditions. This variant is not present in population databases (gnomAD no frequency). This sequence change replaces lysine, which is basic and polar, with arginine, which is basic and polar, at codon 4262 of the RYR2 protein (p.Lys4262Arg).